The following is an entry in ClinVar:

NM_004817.4(TJP2):c.1015A>G (p.Thr339Ala)

Gene: TJP2 (tight junction protein 2; plus strand). Cytogenetic location: 9q21.11.
Variant type: single nucleotide variant.
Coding change: c.1015A>G on transcript NM_004817.4 (MANE Select); coding-DNA position 1015, A replaced by G.
Protein change: p.Thr339Ala; replaces threonine 339 with alanine.
Molecular consequence: missense variant.
Genome position (GRCh38, 1-based): chr9:69,225,366, A>G. VCF-style: chr9-69225366-A-G. GRCh37 (hg19) VCF-style: chr9-71840282-A-G.
Other names: c.946A>G, p.Thr316Ala (NM_001170414.2, NM_001369870.1, NM_001369871.1); c.1027A>G, p.Thr343Ala (NM_001170415.1, NM_001369874.1, NM_001369875.1); c.1108A>G, p.Thr370Ala (NM_001170416.2); c.1015A>G, p.Thr339Ala (NM_001369872.1, NM_001369873.1, NM_201629.3); short protein forms T316A, T339A, T343A, T370A.
Identifiers: ClinVar variation 4975990 (VCV004975990.1).

ClinVar aggregate classification (germline): Uncertain significance (1 of 4 stars; one submission).

Submission:

GeneDx
Classification: Uncertain significance. Last evaluated: 2026-02-05. Review status: criteria provided, single submitter. Criteria: GeneDx Variant Classification Process June 2021. Collection method: clinical testing. Allele origin: germline.
Comment: Not observed at significant frequency in large population cohorts (gnomAD); In silico analysis suggests that this missense variant does not alter protein structure/function; Has not been previously published as pathogenic or benign to our knowledge